The following is an entry in ClinVar:

ClinVar aggregate classification (germline): Uncertain significance (1 of 4 stars; one submission).

gnomAD v4.1: 3 of 1,569,734 alleles (0.00019%); highest among the groups gnomAD compares: Non-Finnish European, 0.00026%; no homozygotes.

Submission:

GeneDx
Classification: Uncertain significance. Last evaluated: 2023-06-07. Review status: criteria provided, single submitter. Criteria: GeneDx Variant Classification Process June 2021. Collection method: clinical testing. Allele origin: germline. Affected: yes.
Comment: Not observed at significant frequency in large population cohorts (gnomAD); In silico analysis supports that this missense variant has a deleterious effect on protein structure/function; Has not been previously published as pathogenic or benign to our knowledge

NM_004408.4(DNM1):c.1400G>A (p.Arg467His)

Gene: DNM1 (dynamin 1; plus strand). Cytogenetic location: 9q34.11.
Variant type: single nucleotide variant.
Coding change: c.1400G>A on transcript NM_004408.4 (MANE Select); coding-DNA position 1400, G replaced by A.
Protein change: p.Arg467His; replaces arginine 467 with histidine.
Molecular consequence: missense variant.
Genome position (GRCh38, 1-based): chr9:128,234,085, G>A. VCF-style: chr9-128234085-G-A. GRCh37 (hg19) VCF-style: chr9-130996364-G-A.
Other names: c.1400G>A, p.Arg467His (NM_001005336.3, NM_001288737.2, NM_001288738.2 and 2 more transcripts); short protein forms R467H.
Identifiers: ClinVar variation 3359626 (VCV003359626.1).